The following is an entry in ClinVar:

ClinVar aggregate classification (germline): Pathogenic/Likely pathogenic. Review status: criteria provided, multiple submitters, no conflicts (2 of 4 stars). 14 submissions from 14 submitters: Pathogenic (8); Likely pathogenic (3). 3 of the submissions do not count toward it. Last evaluated 2026-01-20.

Conditions:
Cardiovascular phenotype. Identifiers: MedGen CN230736.
KCNQ1-related disorder. Also called: KCNQ1-related condition; KCNQ1-related disorders. Identifiers: MedGen CN239322.
Cardiac arrhythmia. Also called: Arrhythmia; Cardiac rhythm disease. Identifiers: MedGen C0003811, MONDO:0007263, HP:0011675.
Familial long QT syndrome (RWS). Also called: Congenital long QT syndrome; Romano-Ward syndrome; VENTRICULAR FIBRILLATION WITH PROLONGED QT INTERVAL. Identifiers: Orphanet 768, MedGen C1141890, MONDO:0019171.
Long QT syndrome (LQTS). Identifiers: MedGen C0023976, MeSH D008133, MONDO:0002442. Disease mechanism: loss of function. Inheritance: Various modes of inheritance.
Long QT syndrome 1 (LQT1). Identifiers: Orphanet 101016, Orphanet 768, MedGen C4551647, MONDO:0100316, OMIM 192500, MONDO:0008646.

Allele frequency attached by ClinVar (database versions not stated): TOPMed below 0.00001.
gnomAD v4.1: 3 of 1,613,462 alleles (0.00019%); highest among the groups gnomAD compares: Non-Finnish European, 0.00025%; no homozygotes.

Submissions 1 to 7 of 14:

Labcorp Genetics (formerly Invitae), Labcorp
Classification: Pathogenic for Long QT syndrome. Last evaluated: 2026-01-20. Review status: criteria provided, single submitter. Criteria: Invitae Variant Classification Sherloc (09022015). Collection method: clinical testing. Allele origin: germline.
Comment: This sequence change replaces tyrosine, which is neutral and polar, with cysteine, which is neutral and slightly polar, at codon 315 of the KCNQ1 protein (p.Tyr315Cys). This variant is not present in population databases (gnomAD no frequency). This missense change has been observed in individuals with long QT syndrome (PMID: 9693036, 12702160, 18774102, 21451124, 24217263, 24606995). ClinVar contains an entry for this variant (Variation ID: 53140). Invitae Evidence Modeling of protein sequence and biophysical properties (such as structural, functional, and spatial information, amino acid conservation, physicochemical variation, residue mobility, and thermodynamic stability) indicates that this missense variant is expected to disrupt KCNQ1 protein function with a positive predictive value of 95%. Experimental studies have shown that this missense change affects KCNQ1 function (PMID: 11087258, 21451124). For these reasons, this variant has been classified as Pathogenic.

PreventionGenetics, part of Exact Sciences
Classification: Pathogenic for KCNQ1-related condition. Last evaluated: 2025-08-12. Review status: criteria provided, single submitter. Criteria: ACMG Guidelines, 2015. Collection method: clinical testing. Allele origin: germline.
Comment: The KCNQ1 c.944A>G variant is predicted to result in the amino acid substitution p.Tyr315Cys. This variant has been reported in the heterozygous state in multiple unrelated individuals with autosomal dominant Long QT syndrome 1 (for example, see Splawski et al. 1998. PubMed ID: 9693036; Supplemental Data, Itoh et al. 2010. PubMed ID: 20541041; Al-Hassnan et al. 2017. PubMed ID: 28438721). In vitro studies in transformed Xenopus oocytes have demonstrated that this variant disrupts potassium channel function and exerts a moderate dominant-negative effect on the wild type protein (Napolitano et al. 2000. PubMed ID: 10868744; Bianchi et al. 2000. PubMed ID: 11087258). This variant has not been reported in a large population database (gnomAD), indicating this variant is rare. Alternate missense changes of the same amino acid (p.Tyr315Ser, p.Tyr315Asn, p.Tyr315His, p.Tyr315Phe) have also been reported in multiple individuals with Long QT syndrome (Donger et al. 1997. PubMed ID: 9386136; Kapa et al. 2009. PubMed ID: 19841300; Crotti et al. 2012. PubMed ID: 23158531; Riuró et al. 2015. PubMed ID: 24667783). Taken together, the p.Tyr315Cys variant is interpreted as pathogenic.

Color Diagnostics, LLC DBA Color Health
Classification: Likely pathogenic for Cardiac arrhythmia. Last evaluated: 2025-06-30. Review status: criteria provided, single submitter. Criteria: ACMG Guidelines, 2015. Collection method: clinical testing. Allele origin: germline.
Comment: This missense variant replaces tyrosine with cysteine at codon 315 of the KCNQ1 protein. This variant is found within the highly conserved pore-forming domain (a.a. 300-320). Rare non-truncating variants in this region have been shown to be significantly overrepresented in individuals with long QT syndrome (PMID: 32893267). Functional studies have shown that the mutant protein exhibits a dominant negative effect when it forms a complex with a wild type protein, resulting in a dysfunctional potassium channel (PMID: 11087258, 21451124). This variant has been reported in over 15 unrelated individuals affected with long QT syndrome (PMID: 28438721, 32893267, 36102233). Additionally, this variant has been reported to be associated with a prolonged QTc interval and with having a diagnosis of long QT syndrome (OR 228.995% CI = 58.24-899.6) in the Icelandic population (PMID: 37449562, ClinVar SCV004022220.1). This variant has not been identified in the general population by the Genome Aggregation Database (gnomAD). Different missense variants occurring at the same codon, p.Tyr315Ser and p.Tyr315His, are considered to be disease-causing (Clinvar variation ID: 53139, 449302), indicating that tyrosine at this position is important for KCNQ1 protein function. Based on the available evidence, this variant is classified as Likely Pathogenic.

Blueprint Genetics
Classification: Pathogenic for KCNQ1-related disorders. Last evaluated: 2024-11-15. Review status: criteria provided, single submitter. Criteria: ACMG Guidelines, 2015. Collection method: clinical testing. Allele origin: germline. Affected: yes. Observed: 5 variant alleles.

All of Us Research Program, National Institutes of Health
Classification: Likely pathogenic for Long QT syndrome. Last evaluated: 2024-07-31. Review status: criteria provided, single submitter. Criteria: ACMG Guidelines, 2015. Collection method: clinical testing. Allele origin: germline. Inheritance: Autosomal dominant inheritance. Observed: 1 variant allele, 1 heterozygote.
Comment: This missense variant replaces tyrosine with cysteine at codon 315 of the KCNQ1 protein. This variant is found within the highly conserved pore-forming domain (a.a. 300-320). Rare non-truncating variants in this region have been shown to be significantly overrepresented in individuals with long QT syndrome (PMID: 32893267). Functional studies have shown that the mutant protein exhibits a dominant negative effect when it forms a complex with a wild type protein, resulting in a dysfunctional potassium channel (PMID: 11087258, 21451124). This variant has been reported in over 15 unrelated individuals affected with long QT syndrome (PMID: 28438721, 32893267, 36102233). Additionally, this variant has been reported to be associated with a prolonged QTc interval and with having a diagnosis of long QT syndrome (OR 228.9; 95% CI = 58.24-899.6) in the Icelandic population (PMID: 37449562, ClinVar SCV004022220.1). This variant has not been identified in the general population by the Genome Aggregation Database (gnomAD). Different missense variants occurring at the same codon, p.Tyr315Ser and p.Tyr315His, are known to cause disease (Clinvar variation ID: 53139, 449302), indicating that tyrosine at this position is important for the protein function. Based on the available evidence, this variant is classified as Likely Pathogenic.

This study involves interpretation of variants in research participants for the purpose of population health screening. Participant phenotype was not available at the time of variant classification. Additional details can be found in publication PMID: 35346344, PMCID: PMC8962531

Mayo Clinic Laboratories, Mayo Clinic
Classification: Pathogenic. Last evaluated: 2023-10-05. Review status: criteria provided, single submitter. Criteria: ACMG Guidelines, 2015. Collection method: clinical testing. Allele origin: germline. Observed: 1 variant allele.
Comment: PP3, PM1, PM2, PS3, PS4

Ambry Genetics
Classification: Pathogenic for Cardiovascular phenotype. Last evaluated: 2023-02-01. Review status: criteria provided, single submitter. Criteria: Ambry Variant Classification Scheme 2023. Collection method: clinical testing. Allele origin: germline.
Comment: The p.Y315C pathogenic mutation (also known as c.944A>G), located in coding exon 7 of the KCNQ1 gene, results from an A to G substitution at nucleotide position 944. The tyrosine at codon 315 is replaced by cysteine, an amino acid with highly dissimilar properties. This alteration impacts the highly conserved ion selectivity filter (TIGYGD) located between transmembrane helices S5 and S6. This alteration has been detected in multiple unrelated individuals reported to have confirmed or suspected long QT syndrome, with variable expressivity in some cases (LQTS) (Splawski I et al. Genomics. 1998;51(1):86-97; Chen S et al. Clin Genet. 2003;63(4):273-82; Moss AJ et al. Circulation. 2007; Kapplinger JD et al. Heart Rhythm. 2009;6(9):1297-303; 115(19):2481-9; Itoh H et al. Heart Rhythm. 2010;7(10):1411-8; Bartos DC et al. Heart Rhythm. 2014;11(3):459-68). One study reported this alteration to result in a dominant negative effect on wild-type IKs current when expressed with wild-type channel in vitro (Bianchi L et al. Am J Physiol Heart Circ Physiol. 2000;279(6):H3003-11). Internal structural analysis indicates that this variant disrupts the ion channel pore and is expected to eliminate the K+ selectivity of the K+ channel (Tao X et al. Science. 2009;326(5960):1668-74; Whorton MR and MacKinnon R. Cell. 2011;147(1):199-208; Ambry internal data). In addition, another alteration affecting this codon (p.Y315S, c.944A>C) has also been reported in association with LQTS (Jongbloed RJ et al. Hum Mutat. 1999;13(4):301-10). This variant is considered to be rare based on population cohorts in the Genome Aggregation Database (gnomAD). In addition, this alteration is predicted to be deleterious by in silico analysis. Based on the supporting evidence, this alteration is interpreted as a disease-causing mutation.

NM_000218.3(KCNQ1):c.944A>G (p.Tyr315Cys)

Gene: KCNQ1 (potassium voltage-gated channel subfamily Q member 1; plus strand). Cytogenetic location: 11p15.5.
Variant type: single nucleotide variant.
Coding change: c.944A>G on transcript NM_000218.3 (MANE Select); coding-DNA position 944, A replaced by G.
Protein change: p.Tyr315Cys; replaces tyrosine 315 with cysteine.
Molecular consequence: missense variant.
Genome position (GRCh38, 1-based): chr11:2,583,457, A>G. VCF-style: chr11-2583457-A-G. GRCh37 (hg19) VCF-style: chr11-2604687-A-G.
Other names: p.Y315C:TAT>TGT; c.944A>G (LRG_287t1); c.944A>G, p.Tyr315Cys (NM_001406836.1); c.674A>G, p.Tyr225Cys (NM_001406837.1); c.500A>G, p.Tyr167Cys (NM_001406838.1); c.563A>G, p.Tyr188Cys (NM_181798.2); short protein forms Y315C, Y188C, Y167C, Y225C.
Identifiers: ClinVar variation 53140 (VCV000053140.67), dbSNP rs74462309, ClinGen allele CA008807.
Genomic context (GRCh38, chr11:2,583,457, plus strand): 5'-GTCCCATCCGTGGCTGACCACTGTCCCTCTCCCTGCAGGTCACAGTCACCACCATCGGCT[A>G]TGGGGACAAGGTGCCCCAGACGTGGGTCGGGAAGACCATCGCCTCCTGCTTCTCTGTCTT-3'
Protein context (NP_000209.2, residues 305-325): WGVVTVTTIG[Tyr315Cys]GDKVPQTWVG